The following is an entry in ClinVar:

ClinVar aggregate classification (germline): Uncertain significance (1 of 4 stars; one submission).

Submission:

Labcorp Genetics (formerly Invitae), Labcorp
Classification: Uncertain significance. Last evaluated: 2022-11-08. Review status: criteria provided, single submitter. Criteria: Invitae Variant Classification Sherloc (09022015). Collection method: clinical testing. Allele origin: germline.
Comment: In summary, the available evidence is currently insufficient to determine the role of this variant in disease. Therefore, it has been classified as a Variant of Uncertain Significance. Advanced modeling of protein sequence and biophysical properties (such as structural, functional, and spatial information, amino acid conservation, physicochemical variation, residue mobility, and thermodynamic stability) performed at Invitae indicates that this missense variant is not expected to disrupt WFS1 protein function. This variant has not been reported in the literature in individuals affected with WFS1-related conditions. This variant is not present in population databases (gnomAD no frequency). This sequence change replaces lysine, which is basic and polar, with arginine, which is basic and polar, at codon 525 of the WFS1 protein (p.Lys525Arg).

NM_006005.3(WFS1):c.1574A>G (p.Lys525Arg)

Gene: WFS1 (wolframin ER transmembrane glycoprotein; plus strand). Cytogenetic location: 4p16.1.
Variant type: single nucleotide variant.
Coding change: c.1574A>G on transcript NM_006005.3 (MANE Select); coding-DNA position 1574, A replaced by G.
Protein change: p.Lys525Arg; replaces lysine 525 with arginine.
Molecular consequence: missense variant.
Genome position (GRCh38, 1-based): chr4:6,301,369, A>G. VCF-style: chr4-6301369-A-G. GRCh37 (hg19) VCF-style: chr4-6303096-A-G.
Other names: c.1574A>G, p.Lys525Arg (NM_001145853.1); short protein forms K525R.
Identifiers: ClinVar variation 2812887 (VCV002812887.3), dbSNP rs2474194273, ClinGen allele CA356176041.